The following is an entry in ClinVar:

ClinVar aggregate classification (germline): Uncertain significance (1 of 4 stars; one submission).

Allele frequency attached by ClinVar (database versions not stated): ExAC 0.00001; gnomAD 0.00001; gnomAD exomes 0.00001; TOPMed 0.00001; ESP Exome Variant Server 0.00008.
gnomAD v4.1: 22 of 1,598,662 alleles (0.0014%); highest among the groups gnomAD compares: Non-Finnish European, 0.0018%; no homozygotes.

Submission:

Labcorp Genetics (formerly Invitae), Labcorp
Classification: Uncertain significance. Last evaluated: 2022-02-28. Review status: criteria provided, single submitter. Criteria: Invitae Variant Classification Sherloc (09022015). Collection method: clinical testing. Allele origin: germline.
Comment: This sequence change replaces glutamic acid, which is acidic and polar, with aspartic acid, which is acidic and polar, at codon 3701 of the PCLO protein (p.Glu3701Asp). This variant is present in population databases (rs376277240, gnomAD 0.001%). This variant has not been reported in the literature in individuals affected with PCLO-related conditions. Algorithms developed to predict the effect of missense changes on protein structure and function are either unavailable or do not agree on the potential impact of this missense change (SIFT: "Tolerated"; PolyPhen-2: "Not Available"; Align-GVGD: "Class C0"). In summary, the available evidence is currently insufficient to determine the role of this variant in disease. Therefore, it has been classified as a Variant of Uncertain Significance.

NM_033026.6(PCLO):c.11103G>C (p.Glu3701Asp)

Gene: PCLO (piccolo presynaptic cytomatrix protein; minus strand). Cytogenetic location: 7q21.11.
Variant type: single nucleotide variant.
Coding change: c.11103G>C on transcript NM_033026.6 (MANE Select); coding-DNA position 11103, G replaced by C.
Protein change: p.Glu3701Asp; replaces glutamic acid 3701 with aspartic acid.
Molecular consequence: missense variant.
Genome position (GRCh38, 1-based): chr7:82,949,485, C>G on the plus strand (G>C on the coding strand, the complement: PCLO is on the minus strand). VCF-style: chr7-82949485-C-G. GRCh37 (hg19) VCF-style: chr7-82578801-C-G.
Other names: c.11103G>C, p.Glu3701Asp (NM_014510.3); short protein forms E3701D.
Identifiers: ClinVar variation 1995104 (VCV001995104.1), dbSNP rs376277240, ClinGen allele CA4319625.
Genomic context (GRCh38, chr7:82,949,485, plus strand): 5'-CATGATTAATAACTCATCCATTGCCTTCCAACTGAAAAGAATCACTCTTACCGTATAGCC[C>G]TCGGTATACTGAAAAGGAGCCCTGGAACTTTCGTCTGCTGTTGGACTCAGAGGCTTGGGG-3'
Protein context (NP_149015.2, residues 3691-3711): ESSRAPFQYT[Glu3701Asp]GYTTKGSQTM